The following is an entry in ClinVar:

ClinVar aggregate classification (germline): Conflicting classifications of pathogenicity. Review status: criteria provided, conflicting classifications (1 of 4 stars). 7 submissions from 7 submitters: Uncertain significance (5); Benign (1); Likely benign (1). Last evaluated 2026-04-23.

Conditions:
Hereditary cancer-predisposing syndrome. Also called: Neoplastic Syndromes, Hereditary; Hereditary Cancer Syndrome; Tumor predisposition; Hereditary neoplastic syndrome. Identifiers: Orphanet 140162, MedGen C0027672, MeSH D009386, MONDO:0015356.
Tuberous sclerosis syndrome (TSC). Also called: Tuberous Sclerosis Complex; Tuberous sclerosis. Identifiers: Orphanet 805, MedGen C0041341, MONDO:0001734.
Isolated focal cortical dysplasia type II (FCORD2). Also called: CORTICAL DYSPLASIA OF TAYLOR; Focal cortical dysplasia type II. Identifiers: Orphanet 268994, MedGen C1846385, MONDO:0011818, OMIM 607341, HP:0032051.
Tuberous sclerosis 2 (TSC2). Identifiers: Orphanet 805, MedGen C1860707, MONDO:0013199, OMIM 613254.

Allele frequency attached by ClinVar (database versions not stated): gnomAD below 0.00001 and 0.00001; gnomAD exomes below 0.00001 and 0.00001; ExAC 0.00001.
gnomAD v4.1: 14 of 1,609,090 alleles (0.00087%); highest among the groups gnomAD compares: South Asian, 0.0077%; no homozygotes.

Submissions (7):

Ambry Genetics
Classification: Likely benign for Hereditary cancer-predisposing syndrome. Last evaluated: 2026-04-23. Review status: criteria provided, single submitter. Criteria: Ambry Variant Classification Scheme 2023. Collection method: clinical testing. Allele origin: germline.

Labcorp Genetics (formerly Invitae), Labcorp
Classification: Benign for Tuberous sclerosis 2. Last evaluated: 2026-01-14. Review status: criteria provided, single submitter. Criteria: Invitae Variant Classification Sherloc (09022015). Collection method: clinical testing. Allele origin: germline.

Baylor Genetics
Classification: Uncertain significance for Isolated focal cortical dysplasia type II. Last evaluated: 2024-03-24. Review status: criteria provided, single submitter. Criteria: ACMG Guidelines, 2015. Collection method: clinical testing. Allele origin: unknown.

Blueprint Genetics
Classification: Uncertain significance. Last evaluated: 2024-02-20. Review status: criteria provided, single submitter. Criteria: ACMG Guidelines, 2015. Collection method: clinical testing. Allele origin: germline.

All of Us Research Program, National Institutes of Health
Classification: Uncertain significance for Tuberous sclerosis syndrome. Last evaluated: 2024-01-11. Review status: criteria provided, single submitter. Criteria: ACMG Guidelines, 2015. Collection method: clinical testing. Allele origin: germline. Inheritance: Autosomal dominant inheritance. Observed: 1 variant allele, 1 heterozygote.
Comment: This study involves interpretation of variants in research participants for the purpose of population health screening. Participant phenotype was not available at the time of variant classification. Additional details can be found in publication PMID: 35346344, PMCID: PMC8962531

Genome-Nilou Lab
Classification: Uncertain significance for Tuberous sclerosis 2. Last evaluated: 2021-11-07. Review status: criteria provided, single submitter. Criteria: ACMG Guidelines, 2015. Collection method: clinical testing. Allele origin: germline. Affected: no.

GeneDx
Classification: Uncertain significance. Last evaluated: 2014-10-15. Review status: criteria provided, single submitter. Criteria: GeneDx Variant Classification (06012015). Collection method: clinical testing. Allele origin: germline. Affected: yes.
Comment: p.Arg1438Trp (CGG>TGG): c.4312 C>T in exon 34 of the TSC2 gene (NM_000548.3) A variant of unknown significance has been identified in the TSC2 gene. The R1438W variant has not been published as a mutation, nor has it been reported as a benign polymorphism to our knowledge. A different amino acid substitution at the same position (R1438Q) was reported as a de novo mutation in an individual with tuberous sclerosis (Roberts et al., 2004). R1438W was not observed in approximately 6,500 individuals of European and African American ancestry in the NHLBI Exome Sequencing Project, indicating it is not a common benign variant in these populations. The R1438W variant is a non-conservative amino acid substitution, which is likely to impact secondary protein structure as these residues differ in polarity, charge, size and/or other properties. In silico analysis predicts this variant is probably damaging to the protein structure/function. However, the R1438W variant alters a poorly conserved position in the protein. Additionally, it is not within any known functional domain of the tuberin protein, where many pathogenic missense mutations have been identified (Northrup et al., 2011; Au et al., 2007). Therefore, based on the currently available information, it is unclear whether this variant is a pathogenic mutation or a rare benign variant. The variant is found in EPILEPSY panel(s).

NM_000548.5(TSC2):c.4312C>T (p.Arg1438Trp)

Gene: TSC2 (TSC complex subunit 2; plus strand). Cytogenetic location: 16p13.3.
Variant type: single nucleotide variant.
Coding change: c.4312C>T on transcript NM_000548.5 (MANE Select); coding-DNA position 4312, C replaced by T.
Protein change: p.Arg1438Trp; replaces arginine 1438 with tryptophan.
Molecular consequence: missense variant.
Genome position (GRCh38, 1-based): chr16:2,084,534, C>T. VCF-style: chr16-2084534-C-T. GRCh37 (hg19) VCF-style: chr16-2134535-C-T.
Other names: p.R1438W:CGG>TGG; c.4111C>T, p.Arg1371Trp (NM_001077183.3); c.4243C>T, p.Arg1415Trp (NM_001114382.3); c.4003C>T, p.Arg1335Trp (NM_001318827.2); c.3967C>T, p.Arg1323Trp (NM_001318829.2); c.3580C>T, p.Arg1194Trp (NM_001318831.2); c.4144C>T, p.Arg1382Trp (NM_001318832.2); c.4114C>T, p.Arg1372Trp (NM_001363528.2); and 2 more; short protein forms R1438W, R1372W, R1415W, R1323W, R1382W, R1395W, R1194W, R1371W.
Identifiers: ClinVar variation 207785 (VCV000207785.26), dbSNP rs778925833, ClinGen allele CA050835.